The following is an entry in ClinVar:

NM_000077.5(CDKN2A):c.360G>A (p.Glu120=)

Gene: CDKN2A (cyclin dependent kinase inhibitor 2A; minus strand). Cytogenetic location: 9p21.3.
Variant type: single nucleotide variant.
Coding change: c.360G>A on transcript NM_000077.5; coding-DNA position 360, G replaced by A.
Protein change: p.Glu120=; no amino-acid change (glutamic acid 120 retained).
Molecular consequence: synonymous variant (on NM_000077.6). On other transcripts: 3 prime UTR variant (2).
Genome position (GRCh38, 1-based): chr9:21,970,999, C>T on the plus strand (G>A on the coding strand, the complement: CDKN2A is on the minus strand). VCF-style: chr9-21970999-C-T. GRCh37 (hg19) VCF-style: chr9-21970998-C-T.
Other names: c.360G>A, p.Glu120= (NM_000077.6, NM_001195132.2); c.207G>A, p.Glu69= (NM_001363763.2); c.*4G>A (NM_058195.4); c.*283G>A (NM_058197.5).
Identifiers: ClinVar variation 463502 (VCV000463502.14), dbSNP rs757308315, ClinGen allele CA464261850.

ClinVar aggregate classification (germline): Likely benign. Review status: criteria provided, multiple submitters, no conflicts (2 of 4 stars). 3 submissions from 3 submitters: Likely benign (3). Last evaluated 2024-05-01.

Conditions:
Familial melanoma. Also called: Hereditary melanoma; Hereditary cutaneous melanoma. Identifiers: Orphanet 618, MedGen C1512419, MONDO:0018961.
Hereditary cancer-predisposing syndrome. Also called: Hereditary neoplastic syndrome; Neoplastic Syndromes, Hereditary; Hereditary Cancer Syndrome; Tumor predisposition. Identifiers: Orphanet 140162, MedGen C0027672, MeSH D009386, MONDO:0015356.

gnomAD v4.1: 2 of 1,609,564 alleles (0.00012%); highest among the groups gnomAD compares: Non-Finnish European, 0.00017%; no homozygotes.

Submissions (3):

Labcorp Genetics (formerly Invitae), Labcorp
Classification: Likely benign for Familial melanoma. Last evaluated: 2024-05-01. Review status: criteria provided, single submitter. Criteria: Invitae Variant Classification Sherloc (09022015). Collection method: clinical testing. Allele origin: germline.

Ambry Genetics
Classification: Likely benign for Hereditary cancer-predisposing syndrome. Last evaluated: 2018-03-28. Review status: criteria provided, single submitter. Criteria: Ambry Variant Classification Scheme 2023. Collection method: clinical testing. Allele origin: germline.

GeneDx
Classification: Likely benign. Last evaluated: 2017-10-19. Review status: criteria provided, single submitter. Criteria: GeneDx Variant Classification (06012015). Collection method: clinical testing. Allele origin: germline. Affected: yes.
Comment: This variant is considered likely benign or benign based on one or more of the following criteria: it is a conservative change, it occurs at a poorly conserved position in the protein, it is predicted to be benign by multiple in silico algorithms, and/or has population frequency not consistent with disease.